The following is an entry in ClinVar:

ClinVar aggregate classification (germline): Uncertain significance (1 of 4 stars; one submission).

Submission:

Labcorp Genetics (formerly Invitae), Labcorp
Classification: Uncertain significance. Last evaluated: 2021-06-17. Review status: criteria provided, single submitter. Criteria: Invitae Variant Classification Sherloc (09022015). Collection method: clinical testing. Allele origin: germline.
Comment: This sequence change replaces asparagine with lysine at codon 212 of the MSH3 protein (p.Asn212Lys). The asparagine residue is weakly conserved and there is a moderate physicochemical difference between asparagine and lysine. This variant is not present in population databases (ExAC no frequency). This variant has not been reported in the literature in individuals with MSH3-related conditions. Algorithms developed to predict the effect of missense changes on protein structure and function (SIFT, PolyPhen-2, Align-GVGD) all suggest that this variant is likely to be tolerated, but these predictions have not been confirmed by published functional studies and their clinical significance is uncertain. In summary, the available evidence is currently insufficient to determine the role of this variant in disease. Therefore, it has been classified as a Variant of Uncertain Significance.

NM_002439.5(MSH3):c.636T>A (p.Asn212Lys)

Gene: MSH3 (mutS homolog 3; plus strand). Cytogenetic location: 5q14.1.
Variant type: single nucleotide variant.
Coding change: c.636T>A on transcript NM_002439.5 (MANE Select); coding-DNA position 636, T replaced by A.
Protein change: p.Asn212Lys; replaces asparagine 212 with lysine.
Molecular consequence: missense variant.
Genome position (GRCh38, 1-based): chr5:80,670,153, T>A. VCF-style: chr5-80670153-T-A. GRCh37 (hg19) VCF-style: chr5-79965972-T-A.
Other names: short protein forms N212K.
Identifiers: ClinVar variation 1442449 (VCV001442449.8), dbSNP rs2112812204, ClinGen allele CA360266521.